The following is an entry in ClinVar:

NM_000288.4(PEX7):c.331G>A (p.Ala111Thr)

Gene: PEX7 (peroxisomal biogenesis factor 7; plus strand). Cytogenetic location: 6q23.3.
Variant type: single nucleotide variant.
Coding change: c.331G>A on transcript NM_000288.4 (MANE Select); coding-DNA position 331, G replaced by A.
Protein change: p.Ala111Thr; replaces alanine 111 with threonine.
Molecular consequence: missense variant.
Genome position (GRCh38, 1-based): chr6:136,826,461, G>A. VCF-style: chr6-136826461-G-A. GRCh37 (hg19) VCF-style: chr6-137147599-G-A.
Other names: c.331G>A (NM_000288.3); short protein forms A111T.
Identifiers: ClinVar variation 1024459 (VCV001024459.5), dbSNP rs368225510, ClinGen allele CA4017554.
Genomic context (GRCh38, chr6:136,826,461, plus strand): 5'-TCGCTGCAGCTCTGGGACACTGCCAAAGCTGCAGGGCCACTGCAAGTCTATAAAGAACAC[G>A]CTCAGGAGGTAGGAGGGAAATCTTTCTGGGCTGATTATTTTTCTTTCTTCGACTTTGGTT-3'
Protein context (NP_000279.1, residues 101-121): AGPLQVYKEH[Ala111Thr]QEVYSVDWSQ

ClinVar aggregate classification (germline): Conflicting classifications of pathogenicity. Review status: criteria provided, conflicting classifications (1 of 4 stars). 3 submissions from 3 submitters: Uncertain significance (1); Likely benign (1). 1 of the submissions does not count toward it. Last evaluated 2022-04-16.

Conditions:
Inborn genetic diseases. Identifiers: MedGen C0950123, MeSH D030342.
Rhizomelic chondrodysplasia punctata (RCDP). Identifiers: Orphanet 177, MedGen C0282529, MONDO:0015776. Disease mechanism: loss of function.
Peroxisome biogenesis disorder 9B. Also called: PEROXISOME BIOGENESIS DISORDER, PEX7-RELATED, ATYPICAL; PEX7-Related Refsum Disease; Refsum disease, adult, 2. Identifiers: Orphanet 773, MedGen C2749346, MONDO:0013945, OMIM 614879.

Allele frequency attached by ClinVar (database versions not stated): TOPMed 0.00004; ESP Exome Variant Server 0.00008.
gnomAD v4.1: 33 of 1,613,832 alleles (0.002%); highest among the groups gnomAD compares: African/African-American, 0.012%; no homozygotes.

Submissions (3):

Labcorp Genetics (formerly Invitae), Labcorp
Classification: Uncertain significance for Peroxisome biogenesis disorder 9B. Last evaluated: 2022-04-16. Review status: criteria provided, single submitter. Criteria: Invitae Variant Classification Sherloc (09022015). Collection method: clinical testing. Allele origin: germline.
Comment: This sequence change replaces alanine, which is neutral and non-polar, with threonine, which is neutral and polar, at codon 111 of the PEX7 protein (p.Ala111Thr). This variant is present in population databases (rs368225510, gnomAD 0.02%). This variant has not been reported in the literature in individuals affected with PEX7-related conditions. ClinVar contains an entry for this variant (Variation ID: 1024459). Algorithms developed to predict the effect of missense changes on protein structure and function output the following: SIFT: "Tolerated"; PolyPhen-2: "Benign"; Align-GVGD: "Class C0". The threonine amino acid residue is found in multiple mammalian species, which suggests that this missense change does not adversely affect protein function. In summary, the available evidence is currently insufficient to determine the role of this variant in disease. Therefore, it has been classified as a Variant of Uncertain Significance.

Ambry Genetics
Classification: Likely benign for Inborn genetic diseases. Last evaluated: 2021-08-10. Review status: criteria provided, single submitter. Criteria: Ambry Variant Classification Scheme 2023. Collection method: clinical testing. Allele origin: germline.

Natera, Inc.
Classification: Uncertain significance for Rhizomelic Chondrodysplasia Punctata. Last evaluated: 2021-08-04. Review status: no assertion criteria provided. Collection method: clinical testing. Allele origin: germline. Not counted in ClinVar's aggregate classification.